The following is an entry in ClinVar:

ClinVar aggregate classification (germline): Likely pathogenic. Review status: criteria provided, multiple submitters, no conflicts (2 of 4 stars). 3 submissions from 3 submitters: Likely pathogenic (2). 1 of the submissions does not count toward it. Last evaluated 2025-03-26.

Conditions:
Autosomal recessive limb-girdle muscular dystrophy type 2O. Also called: MUSCULAR DYSTROPHY-DYSTROGLYCANOPATHY (LIMB-GIRDLE), TYPE C, 3; MUSCULAR DYSTROPHY-DYSTROGLYCANOPATHY, LIMB-GIRDLE, POMGNT1-RELATED; Limb-Girdle Muscular Dystrophy Type 3C. Identifiers: Orphanet 206564, MedGen C3150417, MONDO:0013161, OMIM 613157.
Muscular dystrophy-dystroglycanopathy (congenital with impaired intellectual development), type B, 3. Also called: Muscular dystrophy-dystroglycanopathy (congenital with intellectual disability), type B3; MUSCULAR DYSTROPHY, CONGENITAL, POMGNT1-RELATED. Identifiers: MedGen C3150412, MONDO:0013155, OMIM 613151.
Retinitis pigmentosa 76 (RP76). Identifiers: MedGen C4310704, MONDO:0014929, OMIM 617123.
Muscular dystrophy-dystroglycanopathy (congenital with brain and eye anomalies), type A3. Also called: Muscular dystrophy-dystroglycanopathy (congenital with brain and eye anomalies), type A, 3; Congenital muscular dystrophy-dystroglycanopathy with brain and eye anomalies, type A3; WALKER-WARBURG SYNDROME OR MUSCLE-EYE-BRAIN DISEASE, POMGNT1-RELATED. Identifiers: MedGen C3151519, MONDO:0009667, OMIM 253280.
Muscle eye brain disease (MEB). Also called: Santavuori congenital muscular dystrophy. Identifiers: Orphanet 588, Orphanet 899, MedGen C0457133, MONDO:0018939.

Allele frequency attached by ClinVar (database versions not stated): TOPMed below 0.00001.

Submissions (3):

Natera, Inc.
Classification: Likely pathogenic for Muscle-eye-brain disease. Last evaluated: 2025-03-26. Review status: criteria provided, single submitter. Criteria: Natera Variant Classification Schema (03/2026). Collection method: clinical testing. Allele origin: germline.
Comment: The c.1319T>G variant in POMGNT1 is a missense variant predicted to cause substitution of leucine to arginine at amino acid 440. This variant is rare in the general population with a frequency below the threshold expected for the associated phenotype(s). This variant has been observed in one or more individuals affected with the associated recessive disease, as either homozygous or compound heterozygous with a second variant (PMID: 33200426). Functional studies show that this variant may disrupt protein function (PMID: 23689641). Computational prediction algorithms indicate this variant is likely to affect gene or protein function. Given the available evidence, this variant is classified as Likely Pathogenic.

Juno Genomics, Hangzhou Juno Genomics, Inc
Classification: Likely pathogenic for Muscular dystrophy-dystroglycanopathy (congenital with impaired intellectual development), type B, 3; Muscular dystrophy-dystroglycanopathy (congenital with brain and eye anomalies), type A3; Autosomal recessive limb-girdle muscular dystrophy type 2O; Retinitis pigmentosa 76. Review status: criteria provided, single submitter. Criteria: ACMG Guidelines, 2015. Collection method: clinical testing. Allele origin: germline.
Comment: Absent from controls (or at extremely low frequency if recessive) in Genome Aggregation Database.;Well-established in vitro or in vivo functional studies supportive of a damaging effect on the gene or gene product.;For recessive disorders, detected in trans with a pathogenic variant.;Patient's phenotype or family history is highly specific for a disease with a single genetic etiology.

Juha Muilu Group; Institute for Molecular Medicine Finland (FIMM)
Classification: Likely pathogenic for Muscle eye brain disease. Review status: no assertion criteria provided. Collection method: not provided. Allele origin: unknown. Not counted in ClinVar's aggregate classification.
Comment: FinDis database variant: This variant was not found or characterized by our laboratory, data were collected from public sources: see reference
ClinVar note: Converted during submission from probable-pathogenic to Likely pathogenic.

Literature cited by the submitters: PubMed 33200426 (cited by Natera, Inc.); PubMed 23689641 (cited by Natera, Inc.).

NM_017739.4(POMGNT1):c.1319T>G (p.Leu440Arg)

Genes: POMGNT1 (protein O-linked mannose N-acetylglucosaminyltransferase 1 (beta 1,2-); minus strand), TSPAN1 (tetraspanin 1; plus strand). Cytogenetic location: 1p34.1.
Variant type: single nucleotide variant.
Coding change: c.1319T>G on transcript NM_017739.4 (MANE Select); coding-DNA position 1319, T replaced by G.
Protein change: p.Leu440Arg; replaces leucine 440 with arginine.
Molecular consequence: missense variant.
Genome position (GRCh38, 1-based): chr1:46,192,402, A>C on the plus strand (T>G on the coding strand, the complement: POMGNT1 is on the minus strand). VCF-style: chr1-46192402-A-C. GRCh37 (hg19) VCF-style: chr1-46658074-A-C.
Other names: c.1319T>G, p.Leu440Arg (NM_001243766.2, NM_001410783.1); c.1253T>G, p.Leu418Arg (NM_001290129.3); c.890T>G, p.Leu297Arg (NM_001290130.2); short protein forms L440R, L418R, L297R.
Identifiers: ClinVar variation 56579 (VCV000056579.5), dbSNP rs386834013, ClinGen allele CA263942.